The following is an entry in ClinVar:

ClinVar aggregate classification (germline): Uncertain significance (1 of 4 stars; one submission).

Conditions:
Brody myopathy. Also called: BRODY DISEASE. Identifiers: Orphanet 53347, MedGen C1832918, MONDO:0010977, OMIM 601003.

Submission:

Labcorp Genetics (formerly Invitae), Labcorp
Classification: Uncertain significance for Brody myopathy. Last evaluated: 2022-06-27. Review status: criteria provided, single submitter. Criteria: Invitae Variant Classification Sherloc (09022015). Collection method: clinical testing. Allele origin: germline.
Comment: Algorithms developed to predict the effect of missense changes on protein structure and function (SIFT, PolyPhen-2, Align-GVGD) all suggest that this variant is likely to be tolerated. In summary, the available evidence is currently insufficient to determine the role of this variant in disease. Therefore, it has been classified as a Variant of Uncertain Significance. This sequence change replaces cysteine, which is neutral and slightly polar, with serine, which is neutral and polar, at codon 364 of the ATP2A1 protein (p.Cys364Ser). This variant is not present in population databases (gnomAD no frequency). This variant has not been reported in the literature in individuals affected with ATP2A1-related conditions. ClinVar contains an entry for this variant (Variation ID: 1059786).

NM_004320.6(ATP2A1):c.1091G>C (p.Cys364Ser)

Gene: ATP2A1 (ATPase sarcoplasmic/endoplasmic reticulum Ca2+ transporting 1; plus strand). Cytogenetic location: 16p11.2.
Variant type: single nucleotide variant.
Coding change: c.1091G>C on transcript NM_004320.6 (MANE Select); coding-DNA position 1091, G replaced by C.
Protein change: p.Cys364Ser; replaces cysteine 364 with serine.
Molecular consequence: missense variant.
Genome position (GRCh38, 1-based): chr16:28,888,949, G>C. VCF-style: chr16-28888949-G-C. GRCh37 (hg19) VCF-style: chr16-28900270-G-C.
Other names: c.716G>C, p.Cys239Ser (NM_001286075.2); c.1091G>C, p.Cys364Ser (NM_173201.5); short protein forms C239S, C364S.
Identifiers: ClinVar variation 1059786 (VCV001059786.9), dbSNP rs2152205303, ClinGen allele CA395404935.